The following is an entry in ClinVar:

NM_032756.4(HPDL):c.835C>T (p.Gln279Ter)

Gene: HPDL (4-hydroxyphenylpyruvate dioxygenase like; plus strand). Cytogenetic location: 1p34.1.
Variant type: single nucleotide variant.
Coding change: c.835C>T on transcript NM_032756.4 (MANE Select); coding-DNA position 835, C replaced by T.
Protein change: p.Gln279Ter; replaces glutamine 279 with a stop codon.
Molecular consequence: nonsense.
Genome position (GRCh38, 1-based): chr1:45,327,983, C>T. VCF-style: chr1-45327983-C-T. GRCh37 (hg19) VCF-style: chr1-45793655-C-T.
Other names: c.835C>T (NM_032756.2); short protein forms Q279*.
Identifiers: ClinVar variation 1344861 (VCV001344861.3), dbSNP rs774014588, ClinGen allele CA21832700.

ClinVar aggregate classification (germline): Pathogenic. Review status: criteria provided, single submitter (1 of 4 stars). 2 submissions from 2 submitters: Pathogenic (1). 1 of the submissions does not count toward it. Last evaluated 2026-06-15.

Conditions:
Neurodevelopmental disorder with progressive spasticity and brain white matter abnormalities. Also called: CEREBRAL PALSY, SPASTIC QUADRIPLEGIC, 1. Identifiers: Orphanet 210141, Orphanet 641353, MedGen C5436628, MONDO:0033613, OMIM 619026.
Spastic paraplegia. Identifiers: MedGen C0037772, HP:0001258.

Allele frequency attached by ClinVar (database versions not stated): TOPMed 0.00001; gnomAD 0.00001; gnomAD exomes 0.00001 and 0.00006.

Submissions (2):

Victorian Clinical Genetics Services, Murdoch Childrens Research Institute
Classification: Pathogenic for Neurodevelopmental disorder with progressive spasticity and brain white matter abnormalities. Last evaluated: 2026-06-15. Review status: criteria provided, single submitter. Criteria: ACMG Guidelines, 2015. Collection method: clinical testing. Allele origin: germline. Affected: yes.
Comment: This variant is classified as Pathogenic. Evidence in support of pathogenic classification: Variant is predicted to result in a truncated protein (premature termination codon is NOT located at least 54 nucleotides upstream of the final exon-exon junction) with less than 1/3 of the protein sequence affected; Variant is present in gnomAD <0.01 for a recessive condition (v4: 83 heterozygote(s), 0 homozygote(s)); This variant has limited previous evidence of pathogenicity in an unrelated individual. This variant has been observed along with a missense variant in an individual with hereditary spastic paraplegia (PMID: 33970200); Other truncating variant(s) comparable to the one identified in this case have very strong previous evidence for pathogenicity. These variants have been classified as likely pathogenic in ClinVar, or reported as homozygous or compound heterozygous in individuals with HPDL-related conditions (PMIDs: 33970200, 33188300, 32707086, 35985664). Additional information: This variant is heterozygous; This gene is associated with autosomal recessive disease; Loss of function is a known mechanism of disease in this gene and is associated with neurodevelopmental disorder with progressive spasticity and brain white matter abnormalities (MIM#619026) and spastic paraplegia 83, autosomal recessive (MIM#619027); Heterozygous variant detected in trans with a second LIKELY PATHOGENIC heterozygous variant (NM_032756.2(HPDL):c.469T>C; p.(Trp157Arg)) in a recessive disease.

Yale Center for Mendelian Genomics, Yale University
Classification: Likely pathogenic for Spastic paraplegia. Last evaluated: 2021-05-10. Review status: no assertion criteria provided. Collection method: literature only. Allele origin: germline. Affected: yes. Observed: 1 compound heterozygote. Study: Yale Center for Mendelian Genomics. Not counted in ClinVar's aggregate classification.

Literature cited by the submitters: PubMed 35985664 (cited by Victorian Clinical Genetics Services, Murdoch Childrens Research Institute); PubMed 32707086 (cited by Victorian Clinical Genetics Services, Murdoch Childrens Research Institute); PubMed 33970200 (cited by Victorian Clinical Genetics Services, Murdoch Childrens Research Institute and Yale Center for Mendelian Genomics, Yale University); PubMed 33188300 (cited by Victorian Clinical Genetics Services, Murdoch Childrens Research Institute).